The following is an entry in ClinVar:

NM_017841.4(SDHAF2):c.37-746A>G

Gene: SDHAF2 (succinate dehydrogenase complex assembly factor 2; plus strand). Cytogenetic location: 11q12.2.
Variant type: single nucleotide variant.
Coding change: c.37-746A>G on transcript NM_017841.4 (MANE Select); 746 bases into the intron before coding-DNA position 37, A replaced by G.
Molecular consequence: intron variant.
Genome position (GRCh38, 1-based): chr11:61,436,879, A>G. VCF-style: chr11-61436879-A-G. GRCh37 (hg19) VCF-style: chr11-61204351-A-G.
Identifiers: ClinVar variation 3793575 (VCV003793575.1).

ClinVar aggregate classification (germline): Uncertain significance (1 of 4 stars; one submission).

Conditions:
Hereditary cancer-predisposing syndrome. Also called: Neoplastic Syndromes, Hereditary; Hereditary Cancer Syndrome; Tumor predisposition; Hereditary neoplastic syndrome. Identifiers: Orphanet 140162, MedGen C0027672, MeSH D009386, MONDO:0015356.

gnomAD v4.1: 3 of 1,288,580 alleles (0.00023%); highest among the groups gnomAD compares: Admixed American, 0.0023%; no homozygotes.

Submission:

Ambry Genetics
Classification: Uncertain significance for Hereditary cancer-predisposing syndrome. Last evaluated: 2025-02-24. Review status: criteria provided, single submitter. Criteria: Ambry Variant Classification Scheme 2023. Collection method: clinical testing. Allele origin: germline.
Comment: The c.37-746A>G intronic variant results from an A to G substitution 746 nucleotides upstream from coding exon 2 in the SDHAF2 gene. This nucleotide position is well conserved in available vertebrate species. In silico splice site analysis predicts that this alteration will result in the creation or strengthening of a novel splice donor site. RNA studies have demonstrated that this alteration results in a splice defect; the clinical impact of this abnormal splicing is unknown at this time (Ambry internal data). Based on the available evidence, the clinical significance of this variant remains unclear.